The following is an entry in ClinVar:

ClinVar aggregate classification (germline): Likely benign (1 of 4 stars; one submission).

Submission:

GeneDx
Classification: Likely benign. Last evaluated: 2017-04-04. Review status: criteria provided, single submitter. Criteria: GeneDx Variant Classification (06012015). Collection method: clinical testing. Allele origin: germline. Affected: yes.
Comment: This variant is considered likely benign or benign based on one or more of the following criteria: it is a conservative change, it occurs at a poorly conserved position in the protein, it is predicted to be benign by multiple in silico algorithms, and/or has population frequency not consistent with disease.

NM_032861.4(SERAC1):c.609+11C>T

Gene: SERAC1 (serine active site containing 1; minus strand). Cytogenetic location: 6q25.3.
Variant type: single nucleotide variant.
Coding change: c.609+11C>T on transcript NM_032861.4 (MANE Select); 11 bases into the intron after coding-DNA position 609, C replaced by T.
Molecular consequence: intron variant.
Genome position (GRCh38, 1-based): chr6:158,144,288, G>A on the plus strand (C>T on the coding strand, the complement: SERAC1 is on the minus strand). VCF-style: chr6-158144288-G-A. GRCh37 (hg19) VCF-style: chr6-158565320-G-A.
Identifiers: ClinVar variation 508207 (VCV000508207.1), dbSNP rs1554263796, ClinGen allele CA658796873.